The following is an entry in ClinVar:

NM_000492.4(CFTR):c.1883G>C (p.Gly628Ala)

Gene: CFTR (CF transmembrane conductance regulator; plus strand). Cytogenetic location: 7q31.2.
Variant type: single nucleotide variant.
Coding change: c.1883G>C on transcript NM_000492.4 (MANE Select); coding-DNA position 1883, G replaced by C.
Protein change: p.Gly628Ala; replaces glycine 628 with alanine.
Molecular consequence: missense variant.
Genome position (GRCh38, 1-based): chr7:117,592,050, G>C. VCF-style: chr7-117592050-G-C. GRCh37 (hg19) VCF-style: chr7-117232104-G-C.
Other names: short protein forms G628A.
Identifiers: ClinVar variation 555466 (VCV000555466.9), dbSNP rs1554389290, ClinGen allele CA368978613.

ClinVar aggregate classification (germline): Pathogenic/Likely pathogenic. Review status: criteria provided, multiple submitters, no conflicts (2 of 4 stars). 5 submissions from 5 submitters: Pathogenic (2); Likely pathogenic (2). 1 of the submissions does not count toward it. Last evaluated 2025-11-06.

Conditions:
Cystic fibrosis (CF). Also called: MUCOVISCIDOSIS. Identifiers: Orphanet 586, MedGen C0010674, MONDO:0009061, OMIM 219700. Disease mechanism: loss of function.
CFTR-related disorder (CFTR-RD). Also called: CFTR-related disorders; CFTR-related condition. Identifiers: MedGen C5924204, MONDO:7770004.

Submissions (5):

Labcorp Genetics (formerly Invitae), Labcorp
Classification: Pathogenic for Cystic fibrosis. Last evaluated: 2025-11-06. Review status: criteria provided, single submitter. Criteria: Invitae Variant Classification Sherloc (09022015). Collection method: clinical testing. Allele origin: germline.
Comment: This sequence change replaces glycine, which is neutral and non-polar, with alanine, which is neutral and non-polar, at codon 628 of the CFTR protein (p.Gly628Ala). This variant is not present in population databases (gnomAD no frequency). This missense change has been observed in individual(s) with clinical features of cystic fibrosis (PMID: 26574590; internal data). ClinVar contains an entry for this variant (Variation ID: 555466). Invitae Evidence Modeling of protein sequence and biophysical properties (such as structural, functional, and spatial information, amino acid conservation, physicochemical variation, residue mobility, and thermodynamic stability) indicates that this missense variant is expected to disrupt CFTR protein function with a positive predictive value of 80%. This variant disrupts the p.Gly628 amino acid residue in CFTR. Other variant(s) that disrupt this residue have been determined to be pathogenic (PMID: 10923036, 20435887, 27022295). This suggests that this residue is clinically significant, and that variants that disrupt this residue are likely to be disease-causing. For these reasons, this variant has been classified as Pathogenic.

Natera, Inc.
Classification: Likely pathogenic for CFTR-related disorders. Last evaluated: 2025-08-25. Review status: criteria provided, single submitter. Criteria: Natera Variant Classification Schema (03/2026). Collection method: clinical testing. Allele origin: germline.
Comment: The c.1883G>C variant in CFTR is a missense variant predicted to cause substitution of glycine to alanine at amino acid 628. This variant is rare in the general population with a frequency below the threshold expected for the associated phenotype(s). Functional studies show that this variant may disrupt protein function (PMID: 38388235). A different variant at the same position has been determined to be Pathogenic or Likely Pathogenic. Computational prediction algorithms indicate this variant is likely to affect gene or protein function. Given the available evidence, this variant is classified as Likely Pathogenic.

Women's Health and Genetics/Laboratory Corporation of America, LabCorp
Classification: Pathogenic for Cystic fibrosis. Last evaluated: 2024-07-03. Review status: criteria provided, single submitter. Criteria: LabCorp Variant Classification Summary - May 2015. Collection method: clinical testing. Allele origin: germline.
Comment: Variant summary: CFTR c.1883G>C (p.Gly628Ala) results in a non-conservative amino acid change located in the ABC transporter-like, ATP-binding domain (IPR003439) of the encoded protein sequence. Five of five in-silico tools predict a damaging effect of the variant on protein function. The variant was absent in 245128 control chromosomes. c.1883G>C has been reported in the literature in individuals affected with Cystic Fibrosis (Kharrazi_2015). A different variant affecting the same codon has been classified as pathogenic by our lab (c.1882G>C, p.Gly628Arg), supporting the critical relevance of codon 628 to CFTR protein function. At least one publication reports experimental evidence evaluating an impact on protein function. The most pronounced variant effect resulted in approximately 3% of normal chloride channel conductance relative to wild type (e.g., Bihler_2024). The following publications have been ascertained in the context of this evaluation (PMID: 26574590, 28471435, 38388235). ClinVar contains an entry for this variant (Variation ID: 555466). Based on the evidence outlined above, the variant was classified as pathogenic.

Johns Hopkins Genomics, Johns Hopkins University
Classification: Likely pathogenic for Cystic fibrosis. Last evaluated: 2022-12-27. Review status: criteria provided, single submitter. Criteria: ACMG Guidelines, 2015. Collection method: clinical testing. Allele origin: germline.
Comment: This CFTR variant has been reported in individuals with features of cystic fibrosis and has an entry in ClinVar (Variation ID: 555466)3. It is absent from a large population dataset. Two bioinformatic tools queried predict that this substitution would be damaging and the glycine residue at this position is evolutionarily conserved across all species assessed. A different missense variant (p.Gly628Arg) at this same position has been classified as a CF-causing variant. We consider CFTR c.1883G>C to be likely pathogenic.

Counsyl
Classification: Uncertain significance for Cystic fibrosis. Last evaluated: 2017-12-07. Review status: no assertion criteria provided. Collection method: clinical testing. Allele origin: unknown. Not counted in ClinVar's aggregate classification.

Literature cited by the submitters: PubMed 26574590 (cited by 3 submitters); PubMed 10923036 (cited by Labcorp Genetics (formerly Invitae), Labcorp); PubMed 20435887 (cited by Labcorp Genetics (formerly Invitae), Labcorp); PubMed 27022295 (cited by Labcorp Genetics (formerly Invitae), Labcorp); PubMed 38388235 (cited by Natera, Inc. and Women's Health and Genetics/Laboratory Corporation of America, LabCorp); PubMed 28471435 (cited by Women's Health and Genetics/Laboratory Corporation of America, LabCorp and Johns Hopkins Genomics, Johns Hopkins University).